The following is an entry in ClinVar:

ClinVar aggregate classification (germline): Pathogenic (1 of 4 stars; one submission).

Submission:

Labcorp Genetics (formerly Invitae), Labcorp
Classification: Pathogenic. Last evaluated: 2020-06-02. Review status: criteria provided, single submitter. Criteria: Invitae Variant Classification Sherloc (09022015). Collection method: clinical testing. Allele origin: germline.
Comment: For these reasons, this variant has been classified as Pathogenic. Loss-of-function variants in SETD1A are known to be pathogenic (PMID: 32346159). This sequence change creates a premature translational stop signal (p.Ser411Profs*87) in the SETD1A gene. It is expected to result in an absent or disrupted protein product. This variant is not present in population databases (ExAC no frequency). This variant has not been reported in the literature in individuals with SETD1A-related conditions.

Literature cited by the submitters: PubMed 32346159.

NM_014712.3(SETD1A):c.1228_1229dup (p.Ser411fs)

Gene: SETD1A (SET domain containing 1A, histone lysine methyltransferase; plus strand). Cytogenetic location: 16p11.2.
Variant type: Microsatellite.
Coding change: c.1228_1229dup on transcript NM_014712.3 (MANE Select); coding-DNA positions 1228 to 1229, 2 bases duplicated (AC; older notation c.1228_1229dupAC).
Protein change: p.Ser411fs; shifts the reading frame from serine 411.
Molecular consequence: frameshift variant.
Genome position (GRCh38, 1-based): chr16:30,964,970-30,964,971, AC duplicated; duplicating any 2 consecutive bases within chr16:30,964,968-30,964,971 gives the same sequence; the c. name uses the placement nearest the transcript's 3' end. VCF-style (leftmost placement, unchanged base first): chr16-30964967-T-TAC. GRCh37 (hg19) VCF-style: chr16-30976288-T-TAC.
Other names: short protein forms S411fs.
Identifiers: ClinVar variation 1072463 (VCV001072463.7), dbSNP rs2143491361, ClinGen allele CA2580613467.